The following is an entry in ClinVar:

NM_004655.4(AXIN2):c.855A>G (p.Ile285Met)

Gene: AXIN2 (axin 2; minus strand). Cytogenetic location: 17q24.1.
Variant type: single nucleotide variant.
Coding change: c.855A>G on transcript NM_004655.4 (MANE Select); coding-DNA position 855, A replaced by G.
Protein change: p.Ile285Met; replaces isoleucine 285 with methionine.
Molecular consequence: missense variant.
Genome position (GRCh38, 1-based): chr17:65,549,621, T>C on the plus strand (A>G on the coding strand, the complement: AXIN2 is on the minus strand). VCF-style: chr17-65549621-T-C. GRCh37 (hg19) VCF-style: chr17-63545739-T-C.
Other names: c.855A>G, p.Ile285Met (NM_001363813.1); short protein forms I285M.
Identifiers: ClinVar variation 2893249 (VCV002893249.4), dbSNP rs779294675, ClinGen allele CA8718959.

ClinVar aggregate classification (germline): Uncertain significance. Review status: criteria provided, multiple submitters, no conflicts (2 of 4 stars). 2 submissions from 2 submitters: Uncertain significance (2). Last evaluated 2025-07-24.

Conditions:
Oligodontia-cancer predisposition syndrome. Also called: TOOTH AGENESIS-COLORECTAL CANCER SYNDROME. Identifiers: Orphanet 300576, MedGen C1837750, MONDO:0012075, OMIM 608615. Disease mechanism: loss of function.
Hereditary cancer-predisposing syndrome. Also called: Neoplastic Syndromes, Hereditary; Hereditary neoplastic syndrome; Tumor predisposition; Hereditary Cancer Syndrome. Identifiers: Orphanet 140162, MedGen C0027672, MeSH D009386, MONDO:0015356.

Allele frequency attached by ClinVar (database versions not stated): ExAC 0.00001.
gnomAD v4.1: 1 of 1,605,540 alleles (0.000062%); highest among the groups gnomAD compares: South Asian, 0.0011%; no homozygotes.

Submissions (2):

Labcorp Genetics (formerly Invitae), Labcorp
Classification: Uncertain significance for Oligodontia-cancer predisposition syndrome. Last evaluated: 2025-07-24. Review status: criteria provided, single submitter. Criteria: Invitae Variant Classification Sherloc (09022015). Collection method: clinical testing. Allele origin: germline.
Comment: This sequence change replaces isoleucine, which is neutral and non-polar, with methionine, which is neutral and non-polar, at codon 285 of the AXIN2 protein (p.Ile285Met). The frequency data for this variant in the population databases is considered unreliable, as metrics indicate poor data quality at this position in the gnomAD database. This variant has not been reported in the literature in individuals affected with AXIN2-related conditions. ClinVar contains an entry for this variant (Variation ID: 2893249). Invitae Evidence Modeling of protein sequence and biophysical properties (such as structural, functional, and spatial information, amino acid conservation, physicochemical variation, residue mobility, and thermodynamic stability) indicates that this missense variant is not expected to disrupt AXIN2 protein function with a negative predictive value of 80%. In summary, the available evidence is currently insufficient to determine the role of this variant in disease. Therefore, it has been classified as a Variant of Uncertain Significance.

Ambry Genetics
Classification: Uncertain significance for Hereditary cancer-predisposing syndrome. Last evaluated: 2024-05-22. Review status: criteria provided, single submitter. Criteria: Ambry Variant Classification Scheme 2023. Collection method: clinical testing. Allele origin: germline.
Comment: The p.I285M variant (also known as c.855A>G), located in coding exon 2 of the AXIN2 gene, results from an A to G substitution at nucleotide position 855. The isoleucine at codon 285 is replaced by methionine, an amino acid with highly similar properties. This amino acid position is conserved. In addition, this alteration is predicted to be tolerated by in silico analysis. Based on the available evidence, the clinical significance of this variant remains unclear.